The following is an entry in ClinVar:

ClinVar aggregate classification (germline): Uncertain significance (1 of 4 stars; one submission).

gnomAD v4.1: 1 of 1,613,628 alleles (0.000062%); highest among the groups gnomAD compares: Non-Finnish European, 0.000085%; no homozygotes.

Submission:

GeneDx
Classification: Uncertain significance. Last evaluated: 2025-04-17. Review status: criteria provided, single submitter. Criteria: GeneDx Variant Classification Process June 2021. Collection method: clinical testing. Allele origin: germline.
Comment: Not observed at significant frequency in large population cohorts (gnomAD); In silico analysis supports that this missense variant has a deleterious effect on protein structure/function; Has not been previously published as pathogenic or benign to our knowledge

NM_017649.5(CNNM2):c.851C>G (p.Pro284Arg)

Gene: CNNM2 (cyclin and CBS domain divalent metal cation transport mediator 2; plus strand). Cytogenetic location: 10q24.32.
Variant type: single nucleotide variant.
Coding change: c.851C>G on transcript NM_017649.5 (MANE Select); coding-DNA position 851, C replaced by G.
Protein change: p.Pro284Arg; replaces proline 284 with arginine.
Molecular consequence: missense variant.
Genome position (GRCh38, 1-based): chr10:102,919,331, C>G. VCF-style: chr10-102919331-C-G. GRCh37 (hg19) VCF-style: chr10-104679088-C-G.
Other names: c.851C>G, p.Pro284Arg (NM_199076.3, NM_199077.3); short protein forms P284R.
Identifiers: ClinVar variation 2502051 (VCV002502051.2), dbSNP rs1028264830, ClinGen allele CA377958048.